The following is an entry in ClinVar:

NM_000059.4(BRCA2):c.4319_4326del (p.Lys1440fs)

Gene: BRCA2 (BRCA2 DNA repair associated; plus strand). Cytogenetic location: 13q13.1.
Variant type: Deletion.
Coding change: c.4319_4326del on transcript NM_000059.4 (MANE Select); coding-DNA positions 4319 to 4326, 8 bases deleted (AAGAGTCA; older notation c.4319_4326delAAGAGTCA).
Protein change: p.Lys1440fs; shifts the reading frame from lysine 1440.
Molecular consequence: frameshift variant.
Genome position (GRCh38, 1-based): chr13:32,338,674-32,338,681, AAGAGTCA deleted; deleting any 8 consecutive bases within chr13:32,338,672-32,338,681 gives the same sequence; the c. name uses the placement nearest the transcript's 3' end. VCF-style (leftmost placement, unchanged base first): chr13-32338671-CCAAAGAGT-C. GRCh37 (hg19) VCF-style: chr13-32912808-CCAAAGAGT-C.
Other names: c.4319_4326delAAGAGTCA, p.Lys1440Ilefs (NM_001406719.1, NM_001406720.1); short protein forms K1440fs.
Identifiers: ClinVar variation 1739672 (VCV001739672.2), dbSNP rs2548528120, ClinGen allele CA2580087273.

ClinVar aggregate classification (germline): Pathogenic (1 of 4 stars; one submission).

Conditions:
Hereditary cancer-predisposing syndrome. Also called: Hereditary Cancer Syndrome; Hereditary neoplastic syndrome; Neoplastic Syndromes, Hereditary; Tumor predisposition. Identifiers: Orphanet 140162, MedGen C0027672, MeSH D009386, MONDO:0015356.

Submission:

Ambry Genetics
Classification: Pathogenic for Hereditary cancer-predisposing syndrome. Last evaluated: 2019-12-23. Review status: criteria provided, single submitter. Criteria: Ambry Variant Classification Scheme 2023. Collection method: clinical testing. Allele origin: germline.
Comment: The c.4319_4326delAAGAGTCA pathogenic mutation, located in coding exon 10 of the BRCA2 gene, results from a deletion of 8 nucleotides at nucleotide positions 4319 to 4326, causing a translational frameshift with a predicted alternate stop codon (p.K1440Ifs*2). This alteration is expected to result in loss of function by premature protein truncation or nonsense-mediated mRNA decay. As such, this alteration is interpreted as a disease-causing mutation.